The following is an entry in ClinVar:

ClinVar aggregate classification (germline): Uncertain significance (1 of 4 stars; one submission).

Conditions:
Nemaline myopathy 2 (NEM2). Also called: Nemaline myopathy 2, autosomal recessive. Identifiers: MedGen C1850569, MONDO:0009725, OMIM 256030.

Allele frequency attached by ClinVar (database versions not stated): gnomAD 0.00001; TOPMed 0.00001.

Submission:

Baylor Genetics
Classification: Uncertain significance for Nemaline myopathy 2. Last evaluated: 2020-02-03. Review status: criteria provided, single submitter. Criteria: ACMG Guidelines, 2015. Collection method: clinical testing. Allele origin: unknown. Affected: yes.
Comment: This variant was determined to be of uncertain significance according to ACMG Guidelines, 2015 [PMID:25741868].

NM_001164508.2(NEB):c.7385C>G (p.Ala2462Gly)

Gene: NEB (nebulin; minus strand). Cytogenetic location: 2q23.3.
Variant type: single nucleotide variant.
Coding change: c.7385C>G on transcript NM_001164508.2 (MANE Select); coding-DNA position 7385, C replaced by G.
Protein change: p.Ala2462Gly; replaces alanine 2462 with glycine.
Molecular consequence: missense variant.
Genome position (GRCh38, 1-based): chr2:151,650,222, G>C on the plus strand (C>G on the coding strand, the complement: NEB is on the minus strand). VCF-style: chr2-151650222-G-C. GRCh37 (hg19) VCF-style: chr2-152506736-G-C.
Other names: c.7385C>G, p.Ala2462Gly (NM_001164507.2, NM_001271208.2, NM_004543.5); short protein forms A2462G.
Identifiers: ClinVar variation 1031201 (VCV001031201.1), dbSNP rs1377026295, ClinGen allele CA348787772.